The following is an entry in ClinVar:

NM_001032283.3(TMPO):c.358C>A (p.Leu120Ile)

Gene: TMPO (thymopoietin; plus strand). Cytogenetic location: 12q23.1.
Variant type: single nucleotide variant.
Coding change: c.358C>A on transcript NM_001032283.3 (MANE Select); coding-DNA position 358, C replaced by A.
Protein change: p.Leu120Ile; replaces leucine 120 with isoleucine.
Molecular consequence: missense variant.
Genome position (GRCh38, 1-based): chr12:98,527,964, C>A. VCF-style: chr12-98527964-C-A. GRCh37 (hg19) VCF-style: chr12-98921742-C-A.
Other names: c.358C>A, p.Leu120Ile (NM_001032284.3, NM_001307975.2, NM_003276.2); short protein forms L120I.
Identifiers: ClinVar variation 191787 (VCV000191787.10), dbSNP rs200420073, ClinGen allele CA237541.

ClinVar aggregate classification (germline): Conflicting classifications of pathogenicity. Review status: criteria provided, conflicting classifications (1 of 4 stars). 2 submissions from 2 submitters: Uncertain significance (1); Benign (1). Last evaluated 2025-08-21.

Conditions:
Loeys-Dietz syndrome 2 (LDS2). Also called: TGFBR2-Related Loeys-Dietz Syndrome; Marfan Syndrome type 2; Marfan like connective tissue disorder; MFS 2; Marfan syndrome, type 2 (formerly); AORTIC ANEURYSM, FAMILIAL THORACIC 3. Identifiers: Orphanet 284973, Orphanet 558, MedGen C2674574, MONDO:0012427, OMIM 610168.

Allele frequency attached by ClinVar (database versions not stated): TOPMed 0.00002; 1000 Genomes Project 30x 0.00016; gnomAD exomes 0.00018 and 0.00049; 1000 Genomes Project 0.00020; gnomAD 0.00027 and 0.00029; ExAC 0.00063.
gnomAD v4.1: 321 of 1,613,938 alleles (0.02%); highest among the groups gnomAD compares: Non-Finnish European, 0.0054%; no homozygotes.

Submissions (2):

Labcorp Genetics (formerly Invitae), Labcorp
Classification: Benign for Loeys-Dietz syndrome 2. Last evaluated: 2025-08-21. Review status: criteria provided, single submitter. Criteria: Invitae Variant Classification Sherloc (09022015). Collection method: clinical testing. Allele origin: germline.

Biesecker Lab/Clinical Genomics Section, National Institutes of Health
Classification: Uncertain significance. Last evaluated: 2013-06-24. Review status: criteria provided, single submitter. Criteria: Ng et al. (Circ Cardiovasc Genet. 2013). Collection method: research. Allele origin: unknown. Observed: 1 variant allele. Study: ClinSeq.
Comment: The study set was not selected for affection status in relation to any cancer. Pathogenicity categories were based on literature curation. See Pubmed ID:23861362 for details.

Medical sequencing